The following is an entry in ClinVar:

NM_001128840.3(CACNA1D):c.2182G>A (p.Val728Ile)

Gene: CACNA1D (calcium voltage-gated channel subunit alpha1 D; plus strand). Cytogenetic location: 3p21.1.
Variant type: single nucleotide variant.
Coding change: c.2182G>A on transcript NM_001128840.3 (MANE Select); coding-DNA position 2182, G replaced by A.
Protein change: p.Val728Ile; replaces valine 728 with isoleucine.
Molecular consequence: missense variant.
Genome position (GRCh38, 1-based): chr3:53,726,960, G>A. VCF-style: chr3-53726960-G-A. GRCh37 (hg19) VCF-style: chr3-53760987-G-A.
Other names: c.2242G>A (NM_000720.3); c.2242G>A, p.Val748Ile (NM_000720.4); c.2182G>A, p.Val728Ile (NM_001128839.3); short protein forms V728I, V748I.
Identifiers: ClinVar variation 1200572 (VCV001200572.13), dbSNP rs184573217, ClinGen allele CA2454159.

ClinVar aggregate classification (germline): Likely benign. Review status: criteria provided, multiple submitters, no conflicts (2 of 4 stars). 4 submissions from 4 submitters: Likely benign (3). 1 of the submissions does not count toward it. Last evaluated 2025-12-26.

Conditions:
CACNA1D-related disorder.

Allele frequency attached by ClinVar (database versions not stated): gnomAD 0.00017 and 0.00023; ExAC 0.00034; gnomAD exomes 0.00039; 1000 Genomes Project 30x 0.00094; 1000 Genomes Project 0.00100.
gnomAD v4.1: 281 of 1,614,086 alleles (0.017%); highest among the groups gnomAD compares: East Asian, 0.42%; 1 homozygote.

Submissions (4):

Labcorp Genetics (formerly Invitae), Labcorp
Classification: Likely benign. Last evaluated: 2025-12-26. Review status: criteria provided, single submitter. Criteria: Invitae Variant Classification Sherloc (09022015). Collection method: clinical testing. Allele origin: germline.

Blueprint Genetics
Classification: Likely benign. Last evaluated: 2024-06-07. Review status: criteria provided, single submitter. Criteria: ACMG Guidelines, 2015. Collection method: clinical testing. Allele origin: germline.

GeneDx
Classification: Likely benign. Last evaluated: 2020-09-02. Review status: criteria provided, single submitter. Criteria: GeneDx Variant Classification Process June 2021. Collection method: clinical testing. Allele origin: germline. Affected: yes.
Comment: This variant is associated with the following publications: (PMID: 25906099)

PreventionGenetics, part of Exact Sciences
Classification: Uncertain significance for CACNA1D-related condition. Last evaluated: 2024-08-05. Review status: no assertion criteria provided. Collection method: clinical testing. Allele origin: germline. Not counted in ClinVar's aggregate classification.
Comment: The CACNA1D c.2242G>A variant is predicted to result in the amino acid substitution p.Val748Ile. This variant was reported in an individual with Atrioventricular nodal reentry tachycardia (Table S3, Luo et al. 2020. PubMed ID: 32508047) and in individuals with autism and schizophrenia (Table S1, Lee et al. 2021. PubMed ID: 34712263; Wang et al 2022. PubMed ID: 35220405). This variant is reported in 0.49% of alleles in individuals of East Asian descent in gnomAD. Although we suspect that this variant is benign, at this time, the clinical significance of this variant is uncertain due to the absence of conclusive functional and genetic evidence.